The following is an entry in ClinVar:

ClinVar aggregate classification (germline): Benign/Likely benign. Review status: criteria provided, multiple submitters, no conflicts (2 of 4 stars). 3 submissions from 3 submitters: Benign (2); Likely benign (1). Last evaluated 2024-11-19.

Conditions:
Premature ovarian failure 5 (POF5). Identifiers: MedGen C1969060, MONDO:0012689, OMIM 611548.

Allele frequency attached by ClinVar (database versions not stated): 1000 Genomes Project 30x 0.00219; 1000 Genomes Project 0.00220; TOPMed 0.00268; ESP Exome Variant Server 0.00284; gnomAD 0.00316.
gnomAD v4.1: 6,298 of 1,606,198 alleles (0.39%); highest among the groups gnomAD compares: Non-Finnish European, 0.44%; 19 homozygotes.

Submissions (3):

Blueprint Genetics
Classification: Likely benign. Last evaluated: 2024-11-19. Review status: criteria provided, single submitter. Criteria: ACMG Guidelines, 2015. Collection method: clinical testing. Allele origin: germline.

CeGaT Center for Human Genetics Tuebingen
Classification: Benign. Last evaluated: 2024-01-01. Review status: criteria provided, single submitter. Criteria: CeGaT Center For Human Genetics Tuebingen Variant Classification Criteria Version 2. Collection method: clinical testing. Allele origin: germline. Affected: yes. Observed: 1 variant allele.
Comment: NOBOX: PS3:Supporting, BS1, BS2

Illumina Laboratory Services, Illumina
Classification: Benign for Premature ovarian failure 5. Last evaluated: 2018-01-13. Review status: criteria provided, single submitter. Criteria: ICSL Variant Classification Criteria 13 December 2019. Collection method: clinical testing. Allele origin: germline.
Comment: This variant was observed in the ICSL laboratory as part of a predisposition screen in an ostensibly healthy population. It had not been previously curated by ICSL or reported in the Human Gene Mutation Database (HGMD: prior to June 1st, 2018), and was therefore a candidate for classification through an automated scoring system. Utilizing variant allele frequency, disease prevalence and penetrance estimates, and inheritance mode, an automated score was calculated to assess if this variant is too frequent to cause the disease. Based on the score and internal cut-off values, a variant classified as benign is not then subjected to further curation. The score for this variant resulted in a classification of benign for this disease.

NM_001436401.1(NOBOX):c.199G>A (p.Gly67Arg)

Gene: NOBOX (NOBOX oogenesis homeobox; minus strand). Cytogenetic location: 7q35.
Variant type: single nucleotide variant.
Coding change: c.199G>A on transcript NM_001436401.1 (MANE Select); coding-DNA position 199, G replaced by A.
Protein change: p.Gly67Arg; replaces glycine 67 with arginine.
Molecular consequence: missense variant. On other transcripts: intron variant (1).
Genome position (GRCh38, 1-based): chr7:144,401,436, C>T on the plus strand (G>A on the coding strand, the complement: NOBOX is on the minus strand). VCF-style: chr7-144401436-C-T. GRCh37 (hg19) VCF-style: chr7-144098529-C-T.
Other names: NM_001080413.3:c.454G>A; c.38-1124G>A (NM_001436402.1); short protein forms G67R.
Identifiers: ClinVar variation 359147 (VCV000359147.28), dbSNP rs201806397, ClinGen allele CA4544836.